The following is an entry in ClinVar:

ClinVar aggregate classification (germline): Uncertain significance. Review status: criteria provided, multiple submitters, no conflicts (2 of 4 stars). 5 submissions from 5 submitters: Uncertain significance (5). Last evaluated 2025-08-24.

Conditions:
Hereditary cancer-predisposing syndrome. Also called: Neoplastic Syndromes, Hereditary; Hereditary Cancer Syndrome; Hereditary neoplastic syndrome; Tumor predisposition. Identifiers: Orphanet 140162, MedGen C0027672, MeSH D009386, MONDO:0015356.
Hereditary breast ovarian cancer syndrome. Also called: Hereditary breast and ovarian cancer syndrome (HBOC); Hereditary breast and ovarian cancer syndrome; Breast and ovarian cancer; Hereditary breast and/or ovarian cancer syndrome; Hereditary breast and ovarian cancer; BRCA1- and BRCA2-Associated Hereditary Breast and Ovarian Cancer. Identifiers: Orphanet 145, MedGen C0677776, MeSH D061325, MONDO:0003582. Disease mechanism: loss of function.

gnomAD v4.1: 1 of 1,603,576 alleles (0.000062%); highest among the groups gnomAD compares: Non-Finnish European, 0.000085%; no homozygotes.

Submissions (5):

Labcorp Genetics (formerly Invitae), Labcorp
Classification: Uncertain significance for Hereditary breast ovarian cancer syndrome. Last evaluated: 2025-08-24. Review status: criteria provided, single submitter. Criteria: Invitae Variant Classification Sherloc (09022015). Collection method: clinical testing. Allele origin: germline.
Comment: This sequence change replaces glycine, which is neutral and non-polar, with aspartic acid, which is acidic and polar, at codon 173 of the BRCA2 protein (p.Gly173Asp). This variant is not present in population databases (gnomAD no frequency). This variant has not been reported in the literature in individuals affected with BRCA2-related conditions. ClinVar contains an entry for this variant (Variation ID: 462369). An algorithm developed to predict the effect of missense changes on protein structure and function (PolyPhen-2) suggests that this variant is likely to be disruptive. In summary, the available evidence is currently insufficient to determine the role of this variant in disease. Therefore, it has been classified as a Variant of Uncertain Significance.

Ambry Genetics
Classification: Uncertain significance for Hereditary cancer-predisposing syndrome. Last evaluated: 2024-11-20. Review status: criteria provided, single submitter. Criteria: Ambry Variant Classification Scheme 2023. Collection method: clinical testing. Allele origin: germline.
Comment: The p.G173D variant (also known as c.518G>A), located in coding exon 6 of the BRCA2 gene, results from a G to A substitution at nucleotide position 518. The glycine at codon 173 is replaced by aspartic acid, an amino acid with similar properties. This amino acid position is highly conserved in available vertebrate species. In addition, this alteration is predicted to be tolerated by in silico analysis. Based on the available evidence, the clinical significance of this variant remains unclear.

Women's Health and Genetics/Laboratory Corporation of America, LabCorp
Classification: Uncertain significance. Last evaluated: 2022-09-16. Review status: criteria provided, single submitter. Criteria: LabCorp Variant Classification Summary - May 2015. Collection method: clinical testing. Allele origin: germline.

GeneDx
Classification: Uncertain significance. Last evaluated: 2021-03-03. Review status: criteria provided, single submitter. Criteria: GeneDx Variant Classification Process June 2021. Collection method: clinical testing. Allele origin: germline. Affected: yes.
Comment: Not observed in large population cohorts (Lek et al., 2016); In silico analysis supports that this missense variant does not alter protein structure/function; Has not been previously published as pathogenic or benign to our knowledge; Also known as 746G>A

Color Diagnostics, LLC DBA Color Health
Classification: Uncertain significance for Hereditary cancer-predisposing syndrome. Last evaluated: 2019-05-30. Review status: criteria provided, single submitter. Criteria: ACMG Guidelines, 2015. Collection method: clinical testing. Allele origin: germline.

NM_000059.4(BRCA2):c.518G>A (p.Gly173Asp)

Gene: BRCA2 (BRCA2 DNA repair associated; plus strand). Cytogenetic location: 13q13.1.
Variant type: single nucleotide variant.
Coding change: c.518G>A on transcript NM_000059.4 (MANE Select); coding-DNA position 518, G replaced by A.
Protein change: p.Gly173Asp; replaces glycine 173 with aspartic acid.
Molecular consequence: missense variant.
Genome position (GRCh38, 1-based): chr13:32,326,500, G>A. VCF-style: chr13-32326500-G-A. GRCh37 (hg19) VCF-style: chr13-32900637-G-A.
Other names: short protein forms G173D.
Identifiers: ClinVar variation 462369 (VCV000462369.16), dbSNP rs28897702, ClinGen allele CA387757777.
Genomic context (GRCh38, chr13:32,326,500, plus strand): 5'-TAATATCCTTAATGATCAGGGCATTTCTATAAAAAATAAACTATTTTCTTTCCTCCCAGG[G>A]TCGTCAGACACCAAAACATATTTCTGAAAGTCTAGGAGCTGAGGTGGATCCTGATATGTC-3'
Protein context (NP_000050.3, residues 163-183): SLFHTPKFVK[Gly173Asp]RQTPKHISES